The following is an entry in ClinVar:

ClinVar aggregate classification (germline): Uncertain significance (1 of 4 stars; one submission).

Conditions:
Cardiovascular phenotype. Identifiers: MedGen CN230736.

gnomAD v4.1: 5 of 1,613,916 alleles (0.00031%); highest among the groups gnomAD compares: Non-Finnish European, 0.00034%; no homozygotes.

Submission:

Ambry Genetics
Classification: Uncertain significance for Cardiovascular phenotype. Last evaluated: 2025-12-16. Review status: criteria provided, single submitter. Criteria: Ambry Variant Classification Scheme 2023. Collection method: clinical testing. Allele origin: germline.
Comment: The p.P25T variant (also known as c.73C>A), located in coding exon 2 of the TRDN gene, results from a C to A substitution at nucleotide position 73. The proline at codon 25 is replaced by threonine, an amino acid with highly similar properties. This amino acid position is conserved. In addition, this alteration is predicted to be tolerated by in silico analysis. Based on the available evidence, the clinical significance of this variant remains unclear.

NM_006073.4(TRDN):c.73C>A (p.Pro25Thr)

Gene: TRDN (triadin; minus strand). Cytogenetic location: 6q22.31.
Variant type: single nucleotide variant.
Coding change: c.73C>A on transcript NM_006073.4 (MANE Select); coding-DNA position 73, C replaced by A.
Protein change: p.Pro25Thr; replaces proline 25 with threonine.
Molecular consequence: missense variant.
Genome position (GRCh38, 1-based): chr6:123,571,082, G>T on the plus strand (C>A on the coding strand, the complement: TRDN is on the minus strand). VCF-style: chr6-123571082-G-T. GRCh37 (hg19) VCF-style: chr6-123892227-G-T.
Other names: c.73C>A, p.Pro25Thr (NM_001251987.2, NM_001256020.2, NM_001256021.2 and 2 more transcripts); short protein forms P25T.
Identifiers: ClinVar variation 4841518 (VCV004841518.1).